The following is an entry in ClinVar:

ClinVar aggregate classification (germline): Uncertain significance (1 of 4 stars; one submission).

Allele frequency attached by ClinVar (database versions not stated): gnomAD exomes below 0.00001; TOPMed below 0.00001; ExAC 0.00001; gnomAD 0.00001.
gnomAD v4.1: 3 of 1,614,006 alleles (0.00019%); highest among the groups gnomAD compares: East Asian, 0.0022%; no homozygotes.

Submission:

GeneDx
Classification: Uncertain significance. Last evaluated: 2021-04-05. Review status: criteria provided, single submitter. Criteria: GeneDx Variant Classification Process June 2021. Collection method: clinical testing. Allele origin: germline. Affected: yes.
Comment: Not observed at a significant frequency in large population cohorts (Lek et al., 2016); In silico analysis supports that this missense variant has a deleterious effect on protein structure/function; Has not been previously published as pathogenic or benign to our knowledge

NM_001114753.3(ENG):c.1018C>T (p.Pro340Ser)

Gene: ENG (endoglin; minus strand). Cytogenetic location: 9q34.11.
Variant type: single nucleotide variant.
Coding change: c.1018C>T on transcript NM_001114753.3 (MANE Select); coding-DNA position 1018, C replaced by T.
Protein change: p.Pro340Ser; replaces proline 340 with serine.
Molecular consequence: missense variant.
Genome position (GRCh38, 1-based): chr9:127,824,420, G>A on the plus strand (C>T on the coding strand, the complement: ENG is on the minus strand). VCF-style: chr9-127824420-G-A. GRCh37 (hg19) VCF-style: chr9-130586699-G-A.
Other names: c.1018C>T, p.Pro340Ser (NM_000118.4, NM_001406715.1); c.472C>T, p.Pro158Ser (NM_001278138.2); short protein forms P158S, P340S.
Identifiers: ClinVar variation 1314499 (VCV001314499.4), dbSNP rs773463077, ClinGen allele CA5252898.